The following is an entry in ClinVar:

ClinVar aggregate classification (germline): Likely benign. Review status: criteria provided, single submitter (1 of 4 stars). 2 submissions from 2 submitters: Likely benign (1). 1 of the submissions does not count toward it. Last evaluated 2025-03-12.

Conditions:
XPO5-related disorder. Also called: XPO5-related condition.

Allele frequency attached by ClinVar (database versions not stated): TOPMed 0.00006; gnomAD 0.00017; 1000 Genomes Project 0.00140; ExAC 0.00070; 1000 Genomes Project 30x 0.00125.
gnomAD v4.1: 510 of 1,613,868 alleles (0.032%); highest among the groups gnomAD compares: South Asian, 0.53%; 8 homozygotes.

Submissions (2):

Labcorp Genetics (formerly Invitae), Labcorp
Classification: Likely benign. Last evaluated: 2025-03-12. Review status: criteria provided, single submitter. Criteria: Invitae Variant Classification Sherloc (09022015). Collection method: clinical testing. Allele origin: germline.

PreventionGenetics, part of Exact Sciences
Classification: Likely benign for XPO5-related condition. Last evaluated: 2024-02-29. Review status: no assertion criteria provided. Collection method: clinical testing. Allele origin: germline. Not counted in ClinVar's aggregate classification.
Comment: This variant is classified as likely benign based on ACMG/AMP sequence variant interpretation guidelines (Richards et al. 2015 PMID: 25741868, with internal and published modifications).

NM_020750.3(XPO5):c.1049G>A (p.Gly350Glu)

Genes: POLR1C (RNA polymerase I and III subunit C; plus strand), XPO5 (exportin 5; minus strand). Cytogenetic location: 6p21.1.
Variant type: single nucleotide variant.
Coding change: c.1049G>A on transcript NM_020750.3 (MANE Select); coding-DNA position 1049, G replaced by A.
Protein change: p.Gly350Glu; replaces glycine 350 with glutamic acid.
Molecular consequence: missense variant. On other transcripts: non-coding transcript variant (1), intron variant (1).
Genome position (GRCh38, 1-based): chr6:43,560,970, C>T on the plus strand (G>A on the coding strand, the complement: XPO5 is on the minus strand). VCF-style: chr6-43560970-C-T. GRCh37 (hg19) VCF-style: chr6-43528707-C-T.
Other names: c.*43-430C>T (NM_001363658.2); short protein forms G350E.
Identifiers: ClinVar variation 2148944 (VCV002148944.5), dbSNP rs529074766, ClinGen allele CA3826535.